The following is an entry in ClinVar:

NM_007055.4(POLR3A):c.1023C>T (p.Phe341=)

Gene: POLR3A (RNA polymerase III subunit A; minus strand). Cytogenetic location: 10q22.3.
Variant type: single nucleotide variant.
Coding change: c.1023C>T on transcript NM_007055.4 (MANE Select); coding-DNA position 1023, C replaced by T.
Protein change: p.Phe341=; no amino-acid change (phenylalanine 341 retained).
Molecular consequence: synonymous variant.
Genome position (GRCh38, 1-based): chr10:78,021,885, G>A on the plus strand (C>T on the coding strand, the complement: POLR3A is on the minus strand). VCF-style: chr10-78021885-G-A. GRCh37 (hg19) VCF-style: chr10-79781643-G-A.
Identifiers: ClinVar variation 2191232 (VCV002191232.29), dbSNP rs772354969, ClinGen allele CA5571572.

ClinVar aggregate classification (germline): Likely benign. Review status: criteria provided, multiple submitters, no conflicts (2 of 4 stars). 3 submissions from 3 submitters: Likely benign (3). Last evaluated 2025-10-13.

Allele frequency attached by ClinVar (database versions not stated): gnomAD 0.00001; ExAC 0.00002; TOPMed 0.00005.
gnomAD v4.1: 35 of 1,613,904 alleles (0.0022%); highest among the groups gnomAD compares: South Asian, 0.012%; no homozygotes.

Submissions (3):

Labcorp Genetics (formerly Invitae), Labcorp
Classification: Likely benign. Last evaluated: 2025-10-13. Review status: criteria provided, single submitter. Criteria: Invitae Variant Classification Sherloc (09022015). Collection method: clinical testing. Allele origin: germline.

Blueprint Genetics
Classification: Likely benign. Last evaluated: 2023-10-18. Review status: criteria provided, single submitter. Criteria: ACMG Guidelines, 2015. Collection method: clinical testing. Allele origin: germline.

CeGaT Center for Human Genetics Tuebingen
Classification: Likely benign. Last evaluated: 2023-02-01. Review status: criteria provided, single submitter. Criteria: CeGaT Center For Human Genetics Tuebingen Variant Classification Criteria Version 2. Collection method: clinical testing. Allele origin: germline. Affected: yes. Observed: 1 variant allele.
Comment: POLR3A: BP4, BP7